The following is an entry in ClinVar:

NM_001142800.2(EYS):c.5835+34T>C

Gene: EYS (EGF-like photoreceptor maintenance factor; minus strand). Cytogenetic location: 6q12.
Variant type: single nucleotide variant.
Coding change: c.5835+34T>C on transcript NM_001142800.2 (MANE Select); 34 bases into the intron after coding-DNA position 5835, T replaced by C.
Molecular consequence: intron variant.
Genome position (GRCh38, 1-based): chr6:64,439,128, A>G on the plus strand (T>C on the coding strand, the complement: EYS is on the minus strand). VCF-style: chr6-64439128-A-G. GRCh37 (hg19) VCF-style: chr6-65149021-A-G.
Other names: c.5835+34T>C (NM_001292009.2).
Identifiers: ClinVar variation 5007086 (VCV005007086.2).

ClinVar aggregate classification (germline): Uncertain significance (1 of 4 stars; one submission).

Conditions:
Retinitis pigmentosa 25 (RP25). Identifiers: Orphanet 791, MedGen C1864446, MONDO:0011272, OMIM 602772.

Submission:

Juno Genomics, Hangzhou Juno Genomics, Inc
Classification: Uncertain significance for Retinitis pigmentosa 25. Review status: criteria provided, single submitter. Criteria: ACMG Guidelines, 2015. Collection method: clinical testing. Allele origin: germline.
Comment: Absent from controls (or at extremely low frequency if recessive) in Genome Aggregation Database.;Multiple lines of computational evidence suggest no impact on gene or gene product.;For recessive disorders, detected in trans with a pathogenic variant.;Patient's phenotype or family history is highly specific for a disease with a single genetic etiology.